The following is an entry in ClinVar:

ClinVar aggregate classification (germline): Uncertain significance (1 of 4 stars; one submission).

Conditions:
Gnathodiaphyseal dysplasia (GDD). Also called: GNATHODIAPHYSEAL SCLEROSIS; OSTEOGENESIS IMPERFECTA WITH UNUSUAL SKELETAL LESIONS. Identifiers: Orphanet 53697, MedGen C1833736, MONDO:0008151, OMIM 166260.
Autosomal recessive limb-girdle muscular dystrophy type 2L (LGMDR12). Also called: Limb-girdle muscular dystrophy, type 2L; MUSCULAR DYSTROPHY, LIMB-GIRDLE, AUTOSOMAL RECESSIVE 12; Limb-Girdle Muscular Dystrophy R12 Anoctamin-5-Related (LGMD-R12). Identifiers: Orphanet 206549, MedGen C1969785, MONDO:0012652, OMIM 611307.

Submission:

Labcorp Genetics (formerly Invitae), Labcorp
Classification: Uncertain significance for Autosomal recessive limb-girdle muscular dystrophy type 2L; Gnathodiaphyseal dysplasia. Last evaluated: 2025-12-16. Review status: criteria provided, single submitter. Criteria: Invitae Variant Classification Sherloc (09022015). Collection method: clinical testing. Allele origin: germline.
Comment: This sequence change falls in intron 13 of the ANO5 gene. It does not directly change the encoded amino acid sequence of the ANO5 protein. It affects a nucleotide within the consensus splice site. This variant is present in population databases (rs752170991, gnomAD 0.0009%). This variant has not been reported in the literature in individuals affected with ANO5-related conditions. Variants that disrupt the consensus splice site are a relatively common cause of aberrant splicing (PMID: 17576681, 9536098). Algorithms developed to predict the effect of sequence changes on RNA splicing suggest that this variant is not likely to affect RNA splicing. In summary, the available evidence is currently insufficient to determine the role of this variant in disease. Therefore, it has been classified as a Variant of Uncertain Significance.

Literature cited by the submitters: PubMed 17576681; PubMed 9536098.

NM_213599.3(ANO5):c.1332+6C>T

Gene: ANO5 (anoctamin 5; plus strand). Cytogenetic location: 11p14.3.
Variant type: single nucleotide variant.
Coding change: c.1332+6C>T on transcript NM_213599.3 (MANE Select); 6 bases into the intron after coding-DNA position 1332, C replaced by T.
Molecular consequence: intron variant.
Genome position (GRCh38, 1-based): chr11:22,255,528, C>T. VCF-style: chr11-22255528-C-T. GRCh37 (hg19) VCF-style: chr11-22277074-C-T.
Other names: c.1254+6C>T (NM_001441294.1); c.1212+6C>T (NM_001441297.1); c.1251+6C>T (NM_001441295.1); c.1290+6C>T (NM_001410963.1, NM_001441300.1); c.1176+6C>T (NM_001441298.1); c.1329+6C>T (NM_001142649.2); c.1287+6C>T (NM_001410964.1, NM_001441301.1); c.1173+6C>T (NM_001441299.1); and 1 more.
Identifiers: ClinVar variation 4787698 (VCV004787698.1).